The following is an entry in ClinVar:

NM_001321075.3(DLG4):c.1539G>A (p.Ser513=)

Gene: DLG4 (discs large MAGUK scaffold protein 4; minus strand). Cytogenetic location: 17p13.1.
Variant type: single nucleotide variant.
Coding change: c.1539G>A on transcript NM_001321075.3 (MANE Select); coding-DNA position 1539, G replaced by A.
Protein change: p.Ser513=; no amino-acid change (serine 513 retained).
Molecular consequence: synonymous variant. On other transcripts: non-coding transcript variant (1).
Genome position (GRCh38, 1-based): chr17:7,193,848, C>T on the plus strand (G>A on the coding strand, the complement: DLG4 is on the minus strand). VCF-style: chr17-7193848-C-T. GRCh37 (hg19) VCF-style: chr17-7097167-C-T.
Other names: c.1530G>A, p.Ser510= (NM_001128827.4); c.1659G>A, p.Ser553= (NM_001321074.1); c.1359G>A, p.Ser453= (NM_001321076.3, NM_001321077.3); c.1668G>A, p.Ser556= (NM_001365.5); c.1458G>A, p.Ser486= (NM_001369566.3).
Identifiers: ClinVar variation 724789 (VCV000724789.6), dbSNP rs370674618, ClinGen allele CA8336918.

ClinVar aggregate classification (germline): Likely benign. Review status: criteria provided, multiple submitters, no conflicts (2 of 4 stars). 2 submissions from 2 submitters: Likely benign (2). Last evaluated 2026-06-01.

Allele frequency attached by ClinVar (database versions not stated): TOPMed 0.00007; ESP Exome Variant Server 0.00008.
gnomAD v4.1: 23 of 1,612,664 alleles (0.0014%); highest among the groups gnomAD compares: Admixed American, 0.025%; no homozygotes.

Submissions (2):

CeGaT Center for Human Genetics Tuebingen
Classification: Likely benign. Last evaluated: 2026-06-01. Review status: criteria provided, single submitter. Criteria: CeGaT Center For Human Genetics Tuebingen Variant Classification Criteria Version 2. Collection method: clinical testing. Allele origin: germline. Affected: yes. Observed: 1 variant allele.
Comment: DLG4: BP4, BP7

Labcorp Genetics (formerly Invitae), Labcorp
Classification: Likely benign. Last evaluated: 2019-12-31. Review status: criteria provided, single submitter. Criteria: Invitae Variant Classification Sherloc (09022015). Collection method: clinical testing. Allele origin: germline.